The following is an entry in ClinVar:

ClinVar aggregate classification (germline): Uncertain significance (1 of 4 stars; one submission).

Conditions:
Early Myoclonic Encephalopathy. Identifiers: MedGen C0270855.

Submission:

Labcorp Genetics (formerly Invitae), Labcorp
Classification: Uncertain significance for Early Myoclonic Encephalopathy. Last evaluated: 2025-03-05. Review status: criteria provided, single submitter. Criteria: Invitae Variant Classification Sherloc (09022015). Collection method: clinical testing. Allele origin: germline.
Comment: This sequence change replaces aspartic acid, which is acidic and polar, with glutamic acid, which is acidic and polar, at codon 245 of the JMJD1C protein (p.Asp245Glu). This variant is not present in population databases (gnomAD no frequency). This variant has not been reported in the literature in individuals affected with JMJD1C-related conditions. An algorithm developed to predict the effect of missense changes on protein structure and function (PolyPhen-2) suggests that this variant is likely to be disruptive. In summary, the available evidence is currently insufficient to determine the role of this variant in disease. Therefore, it has been classified as a Variant of Uncertain Significance.

NM_032776.3(JMJD1C):c.735T>A (p.Asp245Glu)

Gene: JMJD1C (jumonji domain containing 1C; minus strand). Cytogenetic location: 10q21.3.
Variant type: single nucleotide variant.
Coding change: c.735T>A on transcript NM_032776.3 (MANE Select); coding-DNA position 735, T replaced by A.
Protein change: p.Asp245Glu; replaces aspartic acid 245 with glutamic acid.
Molecular consequence: missense variant. On other transcripts: 5 prime UTR variant (1), non-coding transcript variant (1).
Genome position (GRCh38, 1-based): chr10:63,215,640, A>T on the plus strand (T>A on the coding strand, the complement: JMJD1C is on the minus strand). VCF-style: chr10-63215640-A-T. GRCh37 (hg19) VCF-style: chr10-64975400-A-T.
Other names: c.189T>A, p.Asp63Glu (NM_001282948.2, NM_001318154.2); c.-134T>A (NM_001318153.2); c.621T>A, p.Asp207Glu (NM_001322252.2); c.78T>A, p.Asp26Glu (NM_001322254.2, NM_001322258.2); short protein forms D207E, D26E, D245E, D63E.
Identifiers: ClinVar variation 3660654 (VCV003660654.2).
Genomic context (GRCh38, chr10:63,215,640, plus strand): 5'-ACGAGACCTGCGTCGTGATGTAATGCCAATATTTTCACCTTTTAACAAAGAGTGAACAAC[A>T]TCATCTAGAAAGGTCATTTGAACCATAGAAGGATCGACATTCTGTGGTTCTAGTACCTAA-3'
Protein context (NP_116165.1, residues 235-255): PSMVQMTFLD[Asp245Glu]VVHSLLKGEN